The following is an entry in ClinVar:

NM_001366385.1(CARD14):c.363A>G (p.Thr121=)

Gene: CARD14 (caspase recruitment domain family member 14; plus strand). Cytogenetic location: 17q25.3.
Variant type: single nucleotide variant.
Coding change: c.363A>G on transcript NM_001366385.1 (MANE Select); coding-DNA position 363, A replaced by G.
Protein change: p.Thr121=; no amino-acid change (threonine 121 retained).
Molecular consequence: synonymous variant. On other transcripts: non-coding transcript variant (1).
Genome position (GRCh38, 1-based): chr17:80,183,926, A>G. VCF-style: chr17-80183926-A-G. GRCh37 (hg19) VCF-style: chr17-78157725-A-G.
Other names: c.363A>G, p.Thr121= (NM_001257970.1, NM_024110.4).
Identifiers: ClinVar variation 731978 (VCV000731978.36), dbSNP rs772510822, ClinGen allele CA8816411.
Genomic context (GRCh38, chr17:80,183,926, plus strand): 5'-ATTACCTCCCTACCTGCTCACTTGCTCACCTGCCCATCTGCCCACAGGTCTCATGGAGAC[A>G]TCCAAGCTGACCGAGTGCCTGGCTGGGGCCATCGGCAGCCTGCAGGAGGAGCTGAACCAG-3'
Protein context (NP_001353314.1, residues 111-131): DFSNFSGLME[Thr121=]SKLTECLAGA

ClinVar aggregate classification (germline): Likely benign. Review status: criteria provided, multiple submitters, no conflicts (2 of 4 stars). 3 submissions from 3 submitters: Likely benign (3). Last evaluated 2025-11-03.

Conditions:
Pityriasis rubra pilaris (PRP). Also called: Pityriasis rubra pilaris--familial type. Identifiers: Orphanet 2897, MedGen C0032027, MONDO:0100017, OMIM 173200, MONDO:0008251.
Psoriasis 2. Identifiers: MedGen C1864497, MONDO:0011269, OMIM 602723.

Allele frequency attached by ClinVar (database versions not stated): gnomAD 0.00009; TOPMed 0.00009; gnomAD exomes 0.00010 and 0.00013; ExAC 0.00021.
gnomAD v4.1: 184 of 1,517,556 alleles (0.012%); highest among the groups gnomAD compares: Non-Finnish European, 0.015%; no homozygotes.

Submissions (3):

Labcorp Genetics (formerly Invitae), Labcorp
Classification: Likely benign for Pityriasis rubra pilaris; Psoriasis 2. Last evaluated: 2025-11-03. Review status: criteria provided, single submitter. Criteria: Invitae Variant Classification Sherloc (09022015). Collection method: clinical testing. Allele origin: germline.

CeGaT Center for Human Genetics Tuebingen
Classification: Likely benign. Last evaluated: 2025-06-01. Review status: criteria provided, single submitter. Criteria: CeGaT Center For Human Genetics Tuebingen Variant Classification Criteria Version 2. Collection method: clinical testing. Allele origin: germline. Affected: yes. Observed: 2 variant alleles.
Comment: CARD14: BP4, BP7

Blueprint Genetics
Classification: Likely benign. Last evaluated: 2024-09-24. Review status: criteria provided, single submitter. Criteria: ACMG Guidelines, 2015. Collection method: clinical testing. Allele origin: germline.